The following is an entry in ClinVar:

NM_001287491.2(TET3):c.3301G>A (p.Val1101Met)

Gene: TET3 (tet methylcytosine dioxygenase 3; plus strand). Cytogenetic location: 2p13.1.
Variant type: single nucleotide variant.
Coding change: c.3301G>A on transcript NM_001287491.2 (MANE Select); coding-DNA position 3301, G replaced by A.
Protein change: p.Val1101Met; replaces valine 1101 with methionine.
Molecular consequence: missense variant.
Genome position (GRCh38, 1-based): chr2:74,099,309, G>A. VCF-style: chr2-74099309-G-A. GRCh37 (hg19) VCF-style: chr2-74326436-G-A.
Other names: c.3022G>A, p.Val1008Met (NM_001366022.1); short protein forms V1008M, V1101M.
Identifiers: ClinVar variation 4882034 (VCV004882034.2).
Genomic context (GRCh38, chr2:74,099,309, plus strand): 5'-TCCTCTCTCCCCCACTGCTTGGGGCAGGTCTGCACCCTGACCAAGGAAGACAATCGCTGC[G>A]TGGGCAAGATTCCCGAGGATGAGCAGCTGCATGTTCTCCCCCTGTACAAGATGGCCAACA-3'
Protein context (NP_001274420.1, residues 1091-1111): CTLTKEDNRC[Val1101Met]GKIPEDEQLH

ClinVar aggregate classification (germline): Uncertain significance (1 of 4 stars; one submission).

gnomAD v4.1: 18 of 1,610,156 alleles (0.0011%); highest among the groups gnomAD compares: Admixed American, 0.0034%; no homozygotes.

Submission:

Dasa
Classification: Uncertain significance. Last evaluated: 2026-03-13. Review status: criteria provided, single submitter. Criteria: DASA Assertion Criteria. Collection method: clinical testing. Allele origin: germline.
Comment: NM_001287491.2(TET3):c.3301G>A (p.Val1101Met) is a missense variant that results in the substitution of valine with methionine. This variant is rare in population databases. Computational prediction algorithms are consistent with a benign effect. The currently available literature and clinical evidence are not sufficient to establish a definitive association between this variant and the reported condition. Therefore, this variant is classified as a variant of uncertain significance.